The following is an entry in ClinVar:

ClinVar aggregate classification (germline): Uncertain significance (0 of 4 stars; one submission).

Conditions:
FBXW7-related disorder. Also called: FBXW7-related disorders; FBXW7-related condition.

gnomAD v4.1: 5 of 1,613,880 alleles (0.00031%); highest among the groups gnomAD compares: Non-Finnish European, 0.00034%; no homozygotes.

Submission:

PreventionGenetics, part of Exact Sciences
Classification: Uncertain significance for FBXW7-related condition. Last evaluated: 2024-07-04. Review status: no assertion criteria provided. Collection method: clinical testing. Allele origin: germline.
Comment: The FBXW7 c.140A>G variant is predicted to result in the amino acid substitution p.Glu47Gly. To our knowledge, this variant has not been reported in the literature. This variant is reported in 0.00088% of alleles in individuals of European (Non-Finnish) descent in gnomAD. At this time, the clinical significance of this variant is uncertain due to the absence of conclusive functional and genetic evidence.

NM_001349798.2(FBXW7):c.502-2467A>G

Gene: FBXW7 (F-box and WD repeat domain containing 7; minus strand). Cytogenetic location: 4q31.3.
Variant type: single nucleotide variant.
Coding change: c.502-2467A>G on transcript NM_001349798.2 (MANE Select); 2467 bases into the intron before coding-DNA position 502, A replaced by G.
Molecular consequence: intron variant. On other transcripts: missense variant (1).
Genome position (GRCh38, 1-based): chr4:152,352,591, T>C on the plus strand (A>G on the coding strand, the complement: FBXW7 is on the minus strand). VCF-style: chr4-152352591-T-C. GRCh37 (hg19) VCF-style: chr4-153273743-T-C.
Other names: c.140A>G, p.Glu47Gly (NM_018315.5); c.148-2467A>G (NM_001013415.2); c.502-2467A>G (NM_033632.3); short protein forms E47G.
Identifiers: ClinVar variation 3353020 (VCV003353020.1).
Genomic context (GRCh38, chr4:152,352,591, plus strand): 5'-AGTGATTCTGTGCCCCCGTGTGTCCGGCTGCTTGGCAGTCTCTGACAATATAAACCTTTT[T>C]CAGGTAGGTATGTCACAGATTCTAATGTGGACATGCTCAGGCACGTCAGAAAAGGAAGAT-3'